The following is an entry in ClinVar:

ClinVar aggregate classification (germline): Uncertain significance. Review status: criteria provided, multiple submitters, no conflicts (2 of 4 stars). 3 submissions from 3 submitters: Uncertain significance (3). Last evaluated 2026-02-25.

Conditions:
SLC12A2-related disorder. Also called: SLC12A2-related disorders; SLC12A2-related condition.

Submissions (3):

PreventionGenetics, part of Exact Sciences
Classification: Uncertain significance for SLC12A2-related condition. Last evaluated: 2026-02-25. Review status: criteria provided, single submitter. Criteria: ACMG Guidelines, 2015. Collection method: clinical testing. Allele origin: germline.
Comment: The SLC12A2 c.291_308dup18 variant is predicted to result in an in-frame duplication (p.Ala102_Ala107dup). To our knowledge, this variant has not been reported in the literature or in a large population database (gnomAD), indicating this variant is rare. At this time, the clinical significance of this variant is uncertain due to the absence of conclusive functional and genetic evidence.

Labcorp Genetics (formerly Invitae), Labcorp
Classification: Uncertain significance. Last evaluated: 2025-09-30. Review status: criteria provided, single submitter. Criteria: Invitae Variant Classification Sherloc (09022015). Collection method: clinical testing. Allele origin: germline.
Comment: This variant, c.291_308dup, results in the insertion of 6 amino acid(s) of the SLC12A2 protein (p.Ala102_Ala107dup), but otherwise preserves the integrity of the reading frame. This variant is not present in population databases (gnomAD no frequency). This variant has not been reported in the literature in individuals affected with SLC12A2-related conditions. Experimental studies and prediction algorithms are not available or were not evaluated, and the functional significance of this variant is currently unknown. In summary, the available evidence is currently insufficient to determine the role of this variant in disease. Therefore, it has been classified as a Variant of Uncertain Significance.

Revvity Omics, Revvity
Classification: Uncertain significance. Last evaluated: 2022-05-30. Review status: criteria provided, single submitter. Criteria: ACMG Guidelines, 2015. Collection method: clinical testing. Allele origin: germline.

NM_001046.3(SLC12A2):c.288GGC[13] (p.Ala107_Gly108insAlaAlaAlaAlaAlaAla)

Genes: SLC12A2 (solute carrier family 12 member 2; plus strand), LOC129994526 (ATAC-STARR-seq lymphoblastoid silent region 16295; plus strand). Cytogenetic location: 5q23.3.
Variant type: Microsatellite.
Coding change: c.288GGC[13] on transcript NM_001046.3 (MANE Select); 13 copies in a row of the 3-base unit GGC starting at c.288; the reference has seven copies in a row; six copies, 18 bases duplicated; also written c.291_308dup.
Protein change: p.Ala107_Gly108insAlaAlaAlaAlaAlaAla.
Molecular consequence: inframe insertion. On other transcripts: non-coding transcript variant (1).
Genome position (GRCh38, 1-based): chr5:128,084,245-128,084,262, GGCGGCGGCGGCGGCGGC duplicated; duplicating any 18 consecutive bases within chr5:128,084,240-128,084,262 gives the same sequence; the position shown is the placement nearest the transcript's 3' end. VCF-style (leftmost placement, unchanged base first): chr5-128084239-T-TGCGGCGGCGGCGGCGGCG. GRCh37 (hg19) VCF-style: chr5-127419931-T-TGCGGCGGCGGCGGCGGCG.
Other names: c.288GGC[13], p.Ala107_Gly108insAlaAlaAlaAlaAlaAla (NM_001256461.2); c.291_308dup (NM_001046.3); c.291_308dup18 (NM_001046.2).
Identifiers: ClinVar variation 2435967 (VCV002435967.7), dbSNP rs746633185, ClinGen allele CA803609740.